The following is an entry in ClinVar:

ClinVar aggregate classification (germline): Uncertain significance (1 of 4 stars; one submission).

Conditions:
Ichthyosis linearis circumflexa. Identifiers: MedGen C0265962, MONDO:0043106, HP:0025810.

Allele frequency attached by ClinVar (database versions not stated): TOPMed below 0.00001.

Submission:

Labcorp Genetics (formerly Invitae), Labcorp
Classification: Uncertain significance for Ichthyosis linearis circumflexa. Last evaluated: 2018-10-14. Review status: criteria provided, single submitter. Criteria: Invitae Variant Classification Sherloc (09022015). Collection method: clinical testing. Allele origin: germline.
Comment: This sequence change replaces valine with leucine at codon 955 of the SPINK5 protein (p.Val955Leu). The valine residue is moderately conserved and there is a small physicochemical difference between valine and leucine. This variant is not present in population databases (ExAC no frequency). In summary, the available evidence is currently insufficient to determine the role of this variant in disease. Therefore, it has been classified as a Variant of Uncertain Significance. Algorithms developed to predict the effect of missense changes on protein structure and function output the following: SIFT: "Tolerated"; PolyPhen-2: "Benign"; Align-GVGD: "Class C0". The leucine amino acid residue is found in multiple mammalian species, suggesting that this missense change does not adversely affect protein function. These predictions have not been confirmed by published functional studies and their clinical significance is uncertain. This variant has not been reported in the literature in individuals with SPINK5-related disease.

NM_006846.4(SPINK5):c.2863G>C (p.Val955Leu)

Gene: SPINK5 (serine peptidase inhibitor Kazal type 5; plus strand). Cytogenetic location: 5q32.
Variant type: single nucleotide variant.
Coding change: c.2863G>C on transcript NM_006846.4 (MANE Select); coding-DNA position 2863, G replaced by C.
Protein change: p.Val955Leu; replaces valine 955 with leucine.
Molecular consequence: missense variant.
Genome position (GRCh38, 1-based): chr5:148,125,846, G>C. VCF-style: chr5-148125846-G-C. GRCh37 (hg19) VCF-style: chr5-147505409-G-C.
Other names: c.2953G>C, p.Val985Leu (NM_001127698.2); short protein forms V955L, V985L.
Identifiers: ClinVar variation 646343 (VCV000646343.9), dbSNP rs773604007, ClinGen allele CA361650472.
Genomic context (GRCh38, chr5:148,125,846, plus strand): 5'-GACCCAGTGCACGGTGCTGATGGAAAGTTCTATACAAACAAGTGCTACATGTGCAGAGCT[G>C]TCTTGTGAGTAAGAGGATTCTGCTCCCCCTGTAGCTAGCAGGGGAACTGCATTTTTAGAA-3'
Protein context (NP_006837.2, residues 945-965): YTNKCYMCRA[Val955Leu]FLTEALERAK